The following is an entry in ClinVar:

NM_198904.4(GABRG2):c.1348G>A (p.Asp450Asn)

Gene: GABRG2 (gamma-aminobutyric acid type A receptor subunit gamma2; plus strand). Cytogenetic location: 5q34.
Variant type: single nucleotide variant.
Coding change: c.1348G>A on transcript NM_198904.4 (MANE Select); coding-DNA position 1348, G replaced by A.
Protein change: p.Asp450Asn; replaces aspartic acid 450 with asparagine.
Molecular consequence: missense variant. On other transcripts: 3 prime UTR variant (1).
Genome position (GRCh38, 1-based): chr5:162,153,288, G>A. VCF-style: chr5-162153288-G-A. GRCh37 (hg19) VCF-style: chr5-161580294-G-A.
Other names: c.1324G>A, p.Asp442Asn (NM_000816.3); c.1339G>A, p.Asp447Asn (NM_001375339.1); c.*182G>A (NM_001375340.1); c.1345G>A, p.Asp449Asn (NM_001375341.1); c.1321G>A, p.Asp441Asn (NM_001375342.1); c.1444G>A, p.Asp482Asn (NM_001375343.1); c.1387G>A, p.Asp463Asn (NM_001375344.1); c.1258G>A, p.Asp420Asn (NM_001375345.1); and 6 more; short protein forms D310N, D347N, D442N, D447N, D450N, D302N, D420N, D421N.
Identifiers: ClinVar variation 2952021 (VCV002952021.4), dbSNP rs2532775699, ClinGen allele CA362183910.
Genomic context (GRCh38, chr5:162,153,288, plus strand): 5'-GAAGATTGTCGAACAGGAGCTTGGAGACATGGGAGGATACATATCCGCATTGCCAAAATG[G>A]ACTCCTATGCTCGGATCTTCTTCCCCACTGCCTTCTGCCTGTTTAATCTGGTCTATTGGG-3'
Protein context (NP_944494.1, residues 440-460): GRIHIRIAKM[Asp450Asn]SYARIFFPTA

ClinVar aggregate classification (germline): Uncertain significance. Review status: criteria provided, multiple submitters, no conflicts (2 of 4 stars). 2 submissions from 2 submitters: Uncertain significance (2). Last evaluated 2026-01-26.

Conditions:
Febrile seizures, familial, 8 (FEB8). Also called: CONVULSIONS, FAMILIAL FEBRILE, 8. Identifiers: Orphanet 36387, MedGen C1969810, MONDO:0011891, OMIM 607681.
EPILEPSY, CHILDHOOD ABSENCE, SUSCEPTIBILITY TO, 2 (ECA2). Identifiers: Orphanet 64280, MedGen C1843244, OMIM 607681.

Allele frequency attached by ClinVar (database versions not stated): gnomAD exomes below 0.00001.
gnomAD v4.1: 1 of 1,614,012 alleles (0.000062%); highest among the groups gnomAD compares: Non-Finnish European, 0.000085%; no homozygotes.

Submissions (2):

GeneDx
Classification: Uncertain significance. Last evaluated: 2026-01-26. Review status: criteria provided, single submitter. Criteria: GeneDx Variant Classification Process June 2021. Collection method: clinical testing. Allele origin: germline.
Comment: Not observed at significant frequency in large population cohorts (gnomAD); In silico analysis supports that this missense variant has a deleterious effect on protein structure/function; Has not been previously published as pathogenic or benign to our knowledge

Labcorp Genetics (formerly Invitae), Labcorp
Classification: Uncertain significance for Febrile seizures, familial, 8; EPILEPSY, CHILDHOOD ABSENCE, SUSCEPTIBILITY TO, 2. Last evaluated: 2023-11-13. Review status: criteria provided, single submitter. Criteria: Invitae Variant Classification Sherloc (09022015). Collection method: clinical testing. Allele origin: germline.
Comment: This sequence change replaces aspartic acid, which is acidic and polar, with asparagine, which is neutral and polar, at codon 442 of the GABRG2 protein (p.Asp442Asn). This variant is not present in population databases (gnomAD no frequency). This variant has not been reported in the literature in individuals affected with GABRG2-related conditions. Advanced modeling of protein sequence and biophysical properties (such as structural, functional, and spatial information, amino acid conservation, physicochemical variation, residue mobility, and thermodynamic stability) performed at Invitae indicates that this missense variant is expected to disrupt GABRG2 protein function with a positive predictive value of 95%. In summary, the available evidence is currently insufficient to determine the role of this variant in disease. Therefore, it has been classified as a Variant of Uncertain Significance.